The following is an entry in ClinVar:

NM_000217.3(KCNA1):c.729C>A (p.Cys243Ter)

Gene: KCNA1 (potassium voltage-gated channel subfamily A member 1; plus strand). Cytogenetic location: 12p13.32.
Variant type: single nucleotide variant.
Coding change: c.729C>A on transcript NM_000217.3 (MANE Select); coding-DNA position 729, C replaced by A.
Protein change: p.Cys243Ter; replaces cysteine 243 with a stop codon.
Molecular consequence: nonsense.
Genome position (GRCh38, 1-based): chr12:4,912,107, C>A. VCF-style: chr12-4912107-C-A. GRCh37 (hg19) VCF-style: chr12-5021273-C-A.
Other names: c.729C>A (NM_000217.2); short protein forms C243*.
Identifiers: ClinVar variation 1328139 (VCV001328139.5), dbSNP rs1356694586, ClinGen allele CA383455199.
Genomic context (GRCh38, chr12:4,912,107, plus strand): 5'-CGTGGAAACGCTGTGTATCATCTGGTTCTCCTTCGAGCTGGTGGTGCGCTTCTTCGCCTG[C>A]CCCAGCAAGACGGACTTCTTCAAAAACATCATGAACTTCATAGACATTGTGGCCATCATT-3'

ClinVar aggregate classification (germline): Uncertain significance (1 of 4 stars; one submission).

Conditions:
Episodic ataxia type 1 (EA1). Also called: ATAXIA, EPISODIC, WITH MYOKYMIA; Episodic ataxia/myokymia syndrome; MYOKYMIA WITH PERIODIC ATAXIA; PAROXYSMAL ATAXIA WITH NEUROMYOTONIA, HEREDITARY. Identifiers: Orphanet 37612, Orphanet 972, MedGen C1719788, MONDO:0008047, OMIM 160120.
KCNA1-related disorder. Also called: KCNA1-related disorders; KCNA1-related condition.

Submission:

Illumina Laboratory Services, Illumina
Classification: Uncertain significance for KCNA1-related disorders. Last evaluated: 2021-08-23. Review status: criteria provided, single submitter. Criteria: ICSLVariantClassificationCriteria RUGD 01 April 2020. Collection method: clinical testing. Allele origin: unknown.
Comment: The KCNA1 c.729C>A (p.Cys243Ter) variant is a stop-gained variant that is predicted to result in a premature termination or absence of the protein. This variant is located in the last exon, and the resulting transcript may escape nonsense-mediated decay. A literature search was conducted for the gene, cDNA, and amino acid change. No publications were identified through this search. The p.Cys243Ter variant is not reported in a region of good sequencing coverage in version 2.1.1 or version 3.2.1 of the Genome Aggregation Database, indicating it is rare. This variant affects a palmitoylation site in the cytosolic portion of the S2-S3 linker domain (Gubitosi-Klug et al. 2005) and is expected to result in truncation of more than 50% of the protein, including the S4-S6 transmembrane domains. However, missense variants are the typical mechanism of disease, and the single previously reported stop-gained variant is located farther downstream near the C-terminus (Paulhus et al. 2020). Based on the evidence the p.Cys243Ter variant is classified as a variant of uncertain significance for KCNA1-related disorders.

Literature cited by the submitters: PubMed 15837928 (cited by Illumina Laboratory Services, Illumina); PubMed 32316562 (cited by Illumina Laboratory Services, Illumina).